The following is an entry in ClinVar:

ClinVar aggregate classification (germline): Uncertain significance (1 of 4 stars; one submission).

Conditions:
Hereditary nonpolyposis colorectal neoplasms. Identifiers: MedGen C0009405, MeSH D003123.

Submission:

Labcorp Genetics (formerly Invitae), Labcorp
Classification: Uncertain significance for Hereditary nonpolyposis colorectal neoplasms. Last evaluated: 2022-10-06. Review status: criteria provided, single submitter. Criteria: Invitae Variant Classification Sherloc (09022015). Collection method: clinical testing. Allele origin: germline.
Comment: In summary, the available evidence is currently insufficient to determine the role of this variant in disease. Therefore, it has been classified as a Variant of Uncertain Significance. Advanced modeling of protein sequence and biophysical properties (such as structural, functional, and spatial information, amino acid conservation, physicochemical variation, residue mobility, and thermodynamic stability) performed at Invitae indicates that this missense variant is not expected to disrupt MSH6 protein function. ClinVar contains an entry for this variant (Variation ID: 1064094). This variant has not been reported in the literature in individuals affected with MSH6-related conditions. This variant is not present in population databases (gnomAD no frequency). This sequence change replaces aspartic acid, which is acidic and polar, with glutamic acid, which is acidic and polar, at codon 1346 of the MSH6 protein (p.Asp1346Glu).

NM_000179.3(MSH6):c.4038T>A (p.Asp1346Glu)

Gene: MSH6 (mutS homolog 6; plus strand). Cytogenetic location: 2p16.3.
Variant type: single nucleotide variant.
Coding change: c.4038T>A on transcript NM_000179.3 (MANE Select); coding-DNA position 4038, T replaced by A.
Protein change: p.Asp1346Glu; replaces aspartic acid 1346 with glutamic acid.
Molecular consequence: missense variant.
Genome position (GRCh38, 1-based): chr2:47,806,815, T>A. VCF-style: chr2-47806815-T-A. GRCh37 (hg19) VCF-style: chr2-48033954-T-A.
Other names: c.3648T>A, p.Asp1216Glu (NM_001281492.2); c.3132T>A, p.Asp1044Glu (NM_001281493.2, NM_001281494.2); short protein forms D1044E, D1216E, D1346E.
Identifiers: ClinVar variation 1064094 (VCV001064094.9), dbSNP rs2104582429, ClinGen allele CA346761690.